The following is an entry in ClinVar:

ClinVar aggregate classification (germline): Uncertain significance (1 of 4 stars; one submission).

Allele frequency attached by ClinVar (database versions not stated): ExAC 0.00001; gnomAD 0.00001; gnomAD exomes 0.00001.
gnomAD v4.1: 11 of 1,614,088 alleles (0.00068%); highest among the groups gnomAD compares: East Asian, 0.0089%; no homozygotes.

Submission:

Labcorp Genetics (formerly Invitae), Labcorp
Classification: Uncertain significance. Last evaluated: 2022-03-13. Review status: criteria provided, single submitter. Criteria: Invitae Variant Classification Sherloc (09022015). Collection method: clinical testing. Allele origin: germline.
Comment: This sequence change replaces glycine, which is neutral and non-polar, with arginine, which is basic and polar, at codon 53 of the ERCC6 protein (p.Gly53Arg). This variant is present in population databases (rs753551732, gnomAD 0.003%). This variant has not been reported in the literature in individuals affected with ERCC6-related conditions. Algorithms developed to predict the effect of missense changes on protein structure and function output the following: SIFT: "Deleterious"; PolyPhen-2: "Benign"; Align-GVGD: "Class C65". The arginine amino acid residue is found in multiple mammalian species, which suggests that this missense change does not adversely affect protein function. Algorithms developed to predict the effect of sequence changes on RNA splicing suggest that this variant may create or strengthen a splice site. In summary, the available evidence is currently insufficient to determine the role of this variant in disease. Therefore, it has been classified as a Variant of Uncertain Significance.

NM_000124.4(ERCC6):c.157G>A (p.Gly53Arg)

Gene: ERCC6 (ERCC excision repair 6, chromatin remodeling factor; minus strand). Cytogenetic location: 10q11.23.
Variant type: single nucleotide variant.
Coding change: c.157G>A on transcript NM_000124.4 (MANE Select); coding-DNA position 157, G replaced by A.
Protein change: p.Gly53Arg; replaces glycine 53 with arginine.
Molecular consequence: missense variant.
Genome position (GRCh38, 1-based): chr10:49,532,808, C>T on the plus strand (G>A on the coding strand, the complement: ERCC6 is on the minus strand). VCF-style: chr10-49532808-C-T. GRCh37 (hg19) VCF-style: chr10-50740854-C-T.
Other names: c.157G>A, p.Gly53Arg (NM_001277058.2, NM_001277059.2, NM_001346440.2); short protein forms G53R.
Identifiers: ClinVar variation 1924155 (VCV001924155.2), dbSNP rs753551732, ClinGen allele CA5496608.